The following is an entry in ClinVar:

NM_012144.4(DNAI1):c.688_689del (p.Ile230fs)

Gene: DNAI1 (dynein axonemal intermediate chain 1; plus strand). Cytogenetic location: 9p13.3.
Variant type: Deletion.
Coding change: c.688_689del on transcript NM_012144.4 (MANE Select); coding-DNA positions 688 to 689, 2 bases deleted (AT; older notation c.688_689delAT).
Protein change: p.Ile230fs; shifts the reading frame from isoleucine 230.
Molecular consequence: frameshift variant.
Genome position (GRCh38, 1-based): chr9:34,493,200-34,493,201, AT deleted. VCF-style (leftmost placement, unchanged base first): chr9-34493199-GAT-G. GRCh37 (hg19) VCF-style: chr9-34493197-GAT-G.
Other names: c.700_701del, p.Ile234fs (NM_001281428.2); short protein forms I230fs, I234fs.
Identifiers: ClinVar variation 1076692 (VCV001076692.7), dbSNP rs2132065290, ClinGen allele CA2499219845.

ClinVar aggregate classification (germline): Pathogenic (1 of 4 stars; one submission).

Conditions:
Primary ciliary dyskinesia. Also called: Ciliary dyskinesia. Identifiers: Orphanet 244, MedGen C0008780, MONDO:0016575, HP:0012265.

Allele frequency attached by ClinVar (database versions not stated): gnomAD exomes below 0.00001.

Submission:

Labcorp Genetics (formerly Invitae), Labcorp
Classification: Pathogenic for Primary ciliary dyskinesia. Last evaluated: 2020-04-27. Review status: criteria provided, single submitter. Criteria: Invitae Variant Classification Sherloc (09022015). Collection method: clinical testing. Allele origin: germline.
Comment: This sequence change creates a premature translational stop signal (p.Ile230Leufs*2) in the DNAI1 gene. It is expected to result in an absent or disrupted protein product. This variant is not present in population databases (ExAC no frequency). This variant has not been reported in the literature in individuals with DNAI1-related conditions. Loss-of-function variants in DNAI1 are known to be pathogenic (PMID: 16858015, 29363216). For these reasons, this variant has been classified as Pathogenic.

Literature cited by the submitters: PubMed 16858015; PubMed 29363216.